The following is an entry in ClinVar:

NM_001142800.2(EYS):c.6050G>A (p.Gly2017Glu)

Gene: EYS (eyes shut homolog; minus strand). Cytogenetic location: 6q12.
Variant type: single nucleotide variant.
Coding change: c.6050G>A on transcript NM_001142800.2 (MANE Select); coding-DNA position 6050, G replaced by A.
Protein change: p.Gly2017Glu; replaces glycine 2017 with glutamic acid.
Molecular consequence: missense variant.
Genome position (GRCh38, 1-based): chr6:64,388,718, C>T on the plus strand (G>A on the coding strand, the complement: EYS is on the minus strand). VCF-style: chr6-64388718-C-T. GRCh37 (hg19) VCF-style: chr6-65098611-C-T.
Other names: c.6050G>A, p.Gly2017Glu (NM_001292009.2); short protein forms G2017E.
Identifiers: ClinVar variation 2992364 (VCV002992364.2), dbSNP rs868349465, ClinGen allele CA364392004.

ClinVar aggregate classification (germline): Uncertain significance (1 of 4 stars; one submission).

gnomAD v4.1: 6 of 1,537,900 alleles (0.00039%); highest among the groups gnomAD compares: South Asian, 0.0062%; 1 homozygote.

Submission:

Labcorp Genetics (formerly Invitae), Labcorp
Classification: Uncertain significance. Last evaluated: 2023-11-15. Review status: criteria provided, single submitter. Criteria: Invitae Variant Classification Sherloc (09022015). Collection method: clinical testing. Allele origin: germline.
Comment: This sequence change replaces glycine, which is neutral and non-polar, with glutamic acid, which is acidic and polar, at codon 2017 of the EYS protein (p.Gly2017Glu). This variant is present in population databases (no rsID available, gnomAD 0.005%). This missense change has been observed in individual(s) with retinitis pigmentosa (Invitae). Advanced modeling of protein sequence and biophysical properties (such as structural, functional, and spatial information, amino acid conservation, physicochemical variation, residue mobility, and thermodynamic stability) has been performed at Invitae for this missense variant, however the output from this modeling did not meet the statistical confidence thresholds required to predict the impact of this variant on EYS protein function. This variant disrupts the p.Gly2017 amino acid residue in EYS. Other variant(s) that disrupt this residue have been determined to be pathogenic (PMID: 21069908, 31074760, 32728228). This suggests that this residue is clinically significant, and that variants that disrupt this residue are likely to be disease-causing. In summary, the available evidence is currently insufficient to determine the role of this variant in disease. Therefore, it has been classified as a Variant of Uncertain Significance.

Literature cited by the submitters: PubMed 21069908; PubMed 31074760; PubMed 32728228.